The following is an entry in ClinVar:

ClinVar aggregate classification (germline): Conflicting classifications of pathogenicity. Review status: criteria provided, conflicting classifications (1 of 4 stars). 4 submissions from 4 submitters: Uncertain significance (1); Likely benign (1). 2 of the submissions do not count toward it. Last evaluated 2022-02-01.

Conditions:
CIC-related disorder. Also called: CIC-related condition.
Inborn genetic diseases. Identifiers: MedGen C0950123, MeSH D030342.

Allele frequency attached by ClinVar (database versions not stated): gnomAD exomes 0.00006 and 0.00013; TOPMed 0.00007; ExAC 0.00008; gnomAD 0.00010.

Submissions (4):

CeGaT Center for Human Genetics Tuebingen
Classification: Uncertain significance. Last evaluated: 2022-02-01. Review status: criteria provided, single submitter. Criteria: CeGaT Center For Human Genetics Tuebingen Variant Classification Criteria Version 2. Collection method: clinical testing. Allele origin: germline. Affected: yes. Observed: 1 variant allele.

Ambry Genetics
Classification: Likely benign for Inborn genetic diseases. Last evaluated: 2021-09-09. Review status: criteria provided, single submitter. Criteria: Ambry Variant Classification Scheme 2023. Collection method: clinical testing. Allele origin: germline.

PreventionGenetics, part of Exact Sciences
Classification: Likely benign for CIC-related condition. Last evaluated: 2024-09-10. Review status: no assertion criteria provided. Collection method: clinical testing. Allele origin: germline. Not counted in ClinVar's aggregate classification.
Comment: This variant is classified as likely benign based on ACMG/AMP sequence variant interpretation guidelines (Richards et al. 2015 PMID: 25741868, with internal and published modifications).

ITMI
No classification provided. Condition: AllHighlyPenetrant. Last evaluated: 2013-09-19. Review status: no classification provided. Collection method: reference population. Allele origin: germline. Not counted in ClinVar's aggregate classification.
Comment: Please see associated publication for description of ethnicities

Literature cited by the submitters: PubMed 24728327 (cited by ITMI).

NM_001386298.1(CIC):c.4636_4638del (p.Lys1546del)

Gene: CIC (capicua transcriptional repressor; plus strand). Cytogenetic location: 19q13.2.
Variant type: Deletion.
Coding change: c.4636_4638del on transcript NM_001386298.1 (MANE Select); coding-DNA positions 4636 to 4638, 3 bases deleted (AAG; older notation c.4636_4638delAAG).
Protein change: p.Lys1546del; deletes lysine 1546.
Molecular consequence: inframe deletion.
Genome position (GRCh38, 1-based): chr19:42,290,677-42,290,679, AAG deleted. VCF-style (leftmost placement, unchanged base first): chr19-42290676-CAAG-C. GRCh37 (hg19) VCF-style: chr19-42794828-CAAG-C.
Other names: c.1909_1911delAAG (NM_015125.3, NM_015125.4); c.4636_4638del, p.Lys1546del (NM_001304815.2, NM_001379480.1, NM_001379482.1); c.1909_1911del, p.Lys637del (NM_001379484.1, NM_001379485.1, NM_015125.5); short protein forms K637del, K1546del.
Identifiers: ClinVar variation 133894 (VCV000133894.36), dbSNP rs587778196, ClinGen allele CA158106.
Genomic context (GRCh38, chr19:42,290,676, plus strand): 5'-CATCGCGGCCCCTCCCAGCGGAGGAGGAAACATCCTGCAGACACTGGTGCTGCCCCCAAA[CAAG>C]GAGGAGCAAGAGGGCGGCGGAGCCAGAGTGCCCTCCGCCCCCGCCCCATCACTGGCCTAT-3'